The following is an entry in ClinVar:

NM_000271.5(NPC1):c.1627C>T (p.Pro543Ser)

Gene: NPC1 (NPC intracellular cholesterol transporter 1; minus strand). Cytogenetic location: 18q11.2.
Variant type: single nucleotide variant.
Coding change: c.1627C>T on transcript NM_000271.5 (MANE Select); coding-DNA position 1627, C replaced by T.
Protein change: p.Pro543Ser; replaces proline 543 with serine.
Molecular consequence: missense variant.
Genome position (GRCh38, 1-based): chr18:23,551,654, G>A on the plus strand (C>T on the coding strand, the complement: NPC1 is on the minus strand). VCF-style: chr18-23551654-G-A. GRCh37 (hg19) VCF-style: chr18-21131618-G-A.
Other names: short protein forms P543S.
Identifiers: ClinVar variation 1066529 (VCV001066529.9), dbSNP rs2145433190, ClinGen allele CA401774770.

ClinVar aggregate classification (germline): Likely pathogenic (1 of 4 stars; one submission).

Conditions:
Niemann-Pick disease, type C1. Also called: NEUROVISCERAL STORAGE DISEASE WITH VERTICAL SUPRANUCLEAR OPHTHALMOPLEGIA; NIEMANN-PICK DISEASE WITH CHOLESTEROL ESTERIFICATION BLOCK; NIEMANN-PICK DISEASE WITHOUT SPHINGOMYELINASE DEFICIENCY; NIEMANN-PICK DISEASE, CHRONIC NEURONOPATHIC FORM; NIEMANN-PICK DISEASE, VARIANT TYPE C1. Identifiers: Orphanet 646, MedGen C3179455, MONDO:0009757, OMIM 257220.

Submission:

Labcorp Genetics (formerly Invitae), Labcorp
Classification: Likely pathogenic for Niemann-Pick disease, type C1. Last evaluated: 2020-09-10. Review status: criteria provided, single submitter. Criteria: Invitae Variant Classification Sherloc (09022015). Collection method: clinical testing. Allele origin: germline.
Comment: This sequence change replaces proline with serine at codon 543 of the NPC1 protein (p.Pro543Ser). The proline residue is highly conserved and there is a moderate physicochemical difference between proline and serine. This variant is not present in population databases (ExAC no frequency). This variant has not been reported in the literature in individuals with NPC1-related conditions. Advanced modeling of protein sequence and biophysical properties (such as structural, functional, and spatial information, amino acid conservation, physicochemical variation, residue mobility, and thermodynamic stability) performed at Invitae indicates that this missense variant is expected to disrupt NPC1 protein function. This variant disrupts the p.Pro543 amino acid residue in NPC1. Other variant(s) that disrupt this residue have been determined to be pathogenic (PMID: 12955717, 16126423, 19744920). This suggests that this residue is clinically significant, and that variants that disrupt this residue are likely to be disease-causing. In summary, the currently available evidence indicates that the variant is pathogenic, but additional data are needed to prove that conclusively. Therefore, this variant has been classified as Likely Pathogenic.

Literature cited by the submitters: PubMed 12955717; PubMed 16126423; PubMed 19744920.